The following is an entry in ClinVar:

ClinVar aggregate classification (germline): Uncertain significance (1 of 4 stars; one submission).

Conditions:
Familial cold autoinflammatory syndrome 3 (FCAS3). Also called: ANTIBODY DEFICIENCY AND IMMUNE DYSREGULATION, PLCG2-ASSOCIATED; FAMILIAL ATYPICAL COLD URTICARIA. Identifiers: Orphanet 300359, MedGen C3280914, MONDO:0013766, OMIM 614468.

gnomAD v4.1: 3 of 1,614,148 alleles (0.00019%); highest among the groups gnomAD compares: African/African-American, 0.0027%; no homozygotes.

Submission:

Labcorp Genetics (formerly Invitae), Labcorp
Classification: Uncertain significance for Familial cold autoinflammatory syndrome 3. Last evaluated: 2025-01-21. Review status: criteria provided, single submitter. Criteria: Invitae Variant Classification Sherloc (09022015). Collection method: clinical testing. Allele origin: germline.
Comment: This sequence change replaces histidine, which is basic and polar, with tyrosine, which is neutral and polar, at codon 701 of the PLCG2 protein (p.His701Tyr). This variant is present in population databases (rs757839862, gnomAD 0.01%). This variant has not been reported in the literature in individuals affected with PLCG2-related conditions. An algorithm developed to predict the effect of missense changes on protein structure and function (PolyPhen-2) suggests that this variant is likely to be disruptive. In summary, the available evidence is currently insufficient to determine the role of this variant in disease. Therefore, it has been classified as a Variant of Uncertain Significance.

NM_002661.5(PLCG2):c.2101C>T (p.His701Tyr)

Gene: PLCG2 (phospholipase C gamma 2; plus strand). Cytogenetic location: 16q23.3.
Variant type: single nucleotide variant.
Coding change: c.2101C>T on transcript NM_002661.5 (MANE Select); coding-DNA position 2101, C replaced by T.
Protein change: p.His701Tyr; replaces histidine 701 with tyrosine.
Molecular consequence: missense variant.
Genome position (GRCh38, 1-based): chr16:81,919,530, C>T. VCF-style: chr16-81919530-C-T. GRCh37 (hg19) VCF-style: chr16-81953135-C-T.
Other names: c.2101C>T, p.His701Tyr (NM_001425749.1, NM_001425750.1, NM_001425751.1); short protein forms H701Y.
Identifiers: ClinVar variation 3700598 (VCV003700598.2).